The following is an entry in ClinVar:

NM_002474.3(MYH11):c.1440C>T (p.Asn480=)

Gene: MYH11 (myosin heavy chain 11; minus strand). Cytogenetic location: 16p13.11.
Variant type: single nucleotide variant.
Coding change: c.1440C>T on transcript NM_002474.3 (MANE Select); coding-DNA position 1440, C replaced by T.
Protein change: p.Asn480=; no amino-acid change (asparagine 480 retained).
Molecular consequence: synonymous variant.
Genome position (GRCh38, 1-based): chr16:15,757,962, G>A on the plus strand (C>T on the coding strand, the complement: MYH11 is on the minus strand). VCF-style: chr16-15757962-G-A. GRCh37 (hg19) VCF-style: chr16-15851819-G-A.
Other names: c.1440C>T (NM_002474.2); c.1461C>T, p.Asn487= (NM_001040113.2, NM_001040114.2); c.1440C>T, p.Asn480= (NM_022844.3).
Identifiers: ClinVar variation 522354 (VCV000522354.16), dbSNP rs554373758, ClinGen allele CA278644361.
Genomic context (GRCh38, chr16:15,757,962, plus strand): 5'-CTGGTACTCCTCCTGCTCCAGGATGAACATGGTGTGGTTGAAGAGCTGCTGCAGCTTCTC[G>A]TTGGTGTAGTTGATGCACAGCTGCTCGAAGGAGTTCACCTGAGCACATGGCGTGGGGGCG-3'
Protein context (NP_002465.1, residues 470-490): SFEQLCINYT[Asn480=]EKLQQLFNHT

ClinVar aggregate classification (germline): Likely benign. Review status: criteria provided, multiple submitters, no conflicts (2 of 4 stars). 6 submissions from 6 submitters: Likely benign (5). 1 of the submissions does not count toward it. Last evaluated 2025-10-08.

Conditions:
Familial thoracic aortic aneurysm and aortic dissection (TAAD). Also called: Thoracic aortic aneurysms and dissections. Identifiers: Orphanet 91387, MedGen C4707243, MONDO:0019625.
Aortic aneurysm, familial thoracic 4 (AAT4). Also called: AORTIC ANEURYSM/AORTIC DISSECTION AND PATENT DUCTUS ARTERIOSUS. Identifiers: MedGen C1851504, MONDO:0007568, OMIM 132900.

Allele frequency attached by ClinVar (database versions not stated): gnomAD 0.00001 and 0.00003; gnomAD exomes 0.00001; TOPMed 0.00001.
gnomAD v4.1: 23 of 1,614,194 alleles (0.0014%); highest among the groups gnomAD compares: African/African-American, 0.0027%; no homozygotes.

Submissions (6):

Labcorp Genetics (formerly Invitae), Labcorp
Classification: Likely benign for Aortic aneurysm, familial thoracic 4. Last evaluated: 2025-10-08. Review status: criteria provided, single submitter. Criteria: Invitae Variant Classification Sherloc (09022015). Collection method: clinical testing. Allele origin: germline.

Ambry Genetics
Classification: Likely benign for Familial thoracic aortic aneurysm and aortic dissection. Last evaluated: 2025-08-19. Review status: criteria provided, single submitter. Criteria: Ambry Variant Classification Scheme 2023. Collection method: clinical testing. Allele origin: germline.

All of Us Research Program, National Institutes of Health
Classification: Likely benign for Familial thoracic aortic aneurysm and aortic dissection. Last evaluated: 2024-03-24. Review status: criteria provided, single submitter. Criteria: ACMG Guidelines, 2015. Collection method: clinical testing. Allele origin: germline. Inheritance: Autosomal dominant inheritance. Observed: 6 variant alleles, 6 heterozygotes.
Comment: This study involves interpretation of variants in research participants for the purpose of population health screening. Participant phenotype was not available at the time of variant classification. Additional details can be found in publication PMID: 35346344, PMCID: PMC8962531

Color Diagnostics, LLC DBA Color Health
Classification: Likely benign for Familial thoracic aortic aneurysm and aortic dissection. Last evaluated: 2018-11-29. Review status: criteria provided, single submitter. Criteria: ACMG Guidelines, 2015. Collection method: clinical testing. Allele origin: germline.

Clinical Genetics DNA and cytogenetics Diagnostics Lab, Erasmus MC, Erasmus Medical Center
Classification: Likely benign for Aortic aneurysm, familial thoracic 4. Last evaluated: 2017-06-28. Review status: criteria provided, single submitter. Criteria: ACGS Guidelines, 2013. Collection method: clinical testing. Allele origin: germline. Affected: yes. Study: VKGL Data-share Consensus.

Genome Diagnostics Laboratory, Amsterdam University Medical Center
Classification: Likely benign for Aortic aneurysm, familial thoracic 4. Last evaluated: 2017-06-28. Review status: no assertion criteria provided. Criteria: ACGS Guidelines, 2013. Collection method: clinical testing. Allele origin: germline. Affected: yes. Study: VKGL Data-share Consensus. Not counted in ClinVar's aggregate classification.